The following is an entry in ClinVar:

NM_000540.3(RYR1):c.2616G>A (p.Lys872=)

Gene: RYR1 (ryanodine receptor 1; plus strand). Cytogenetic location: 19q13.2.
Variant type: single nucleotide variant.
Coding change: c.2616G>A on transcript NM_000540.3 (MANE Select); coding-DNA position 2616, G replaced by A.
Protein change: p.Lys872=; no amino-acid change (lysine 872 retained).
Molecular consequence: synonymous variant.
Genome position (GRCh38, 1-based): chr19:38,463,461, G>A. VCF-style: chr19-38463461-G-A. GRCh37 (hg19) VCF-style: chr19-38954101-G-A.
Other names: c.2616G>A, p.Lys872= (NM_001042723.2).
Identifiers: ClinVar variation 3387669 (VCV003387669.1).

ClinVar aggregate classification (germline): Likely benign (1 of 4 stars; one submission).

Conditions:
Malignant hyperthermia, susceptibility to, 1 (MHS1). Also called: Anesthesia related hyperthermia; Malignant hyperpyrexia; Fulminating hyperpyrexia; Pharmacogenic myopathy; RYR1-Related Malignant Hyperthermia Susceptibility; Malignant hyperthermia suceptibility 1. Identifiers: Orphanet 423, MedGen C2930980, MONDO:0007783, OMIM 145600.

gnomAD v4.1: 1 of 1,613,948 alleles (0.000062%); highest among the groups gnomAD compares: Non-Finnish European, 0.000085%; no homozygotes.

Submission:

All of Us Research Program, National Institutes of Health
Classification: Likely benign for Malignant hyperthermia, susceptibility to, 1. Last evaluated: 2024-02-22. Review status: criteria provided, single submitter. Criteria: ACMG Guidelines, 2015. Collection method: clinical testing. Allele origin: germline. Inheritance: Autosomal dominant inheritance. Observed: 1 variant allele, 1 heterozygote.
Comment: This study involves interpretation of variants in research participants for the purpose of population health screening. Participant phenotype was not available at the time of variant classification. Additional details can be found in publication PMID: 35346344, PMCID: PMC8962531